The following is an entry in ClinVar:

NM_019109.5(ALG1):c.1076C>T (p.Ser359Leu)

Gene: ALG1 (ALG1 chitobiosyldiphosphodolichol beta-mannosyltransferase; plus strand). Cytogenetic location: 16p13.3.
Variant type: single nucleotide variant.
Coding change: c.1076C>T on transcript NM_019109.5 (MANE Select); coding-DNA position 1076, C replaced by T.
Protein change: p.Ser359Leu; replaces serine 359 with leucine.
Molecular consequence: missense variant.
Genome position (GRCh38, 1-based): chr16:5,082,562, C>T. VCF-style: chr16-5082562-C-T. GRCh37 (hg19) VCF-style: chr16-5132563-C-T.
Other names: c.743C>T, p.Ser248Leu (NM_001330504.2); short protein forms S248L, S359L.
Identifiers: ClinVar variation 690322 (VCV000690322.9), dbSNP rs1299775990, ClinGen allele CA394673720.

ClinVar aggregate classification (germline): Pathogenic. Review status: criteria provided, multiple submitters, no conflicts (2 of 4 stars). 4 submissions from 4 submitters: Pathogenic (3). 1 of the submissions does not count toward it. Last evaluated 2025-10-16.

Conditions:
Congenital disorder of glycosylation (CDG). Also called: Congenital disorders of glycosylation; Carbohydrate-deficient glycoprotein syndrome. Identifiers: Orphanet 137, MedGen C0282577, MONDO:0015286.
ALG1-congenital disorder of glycosylation. Also called: CONGENITAL DISORDER OF GLYCOSYLATION, TYPE Ik; CDG Ik; ALG1-CDG. Identifiers: Orphanet 79327, MedGen C2931005, MONDO:0012052, OMIM 608540.

Allele frequency attached by ClinVar (database versions not stated): gnomAD 0.00001; TOPMed 0.00001.

Submissions (4):

GeneDx
Classification: Pathogenic. Last evaluated: 2025-10-16. Review status: criteria provided, single submitter. Criteria: GeneDx Variant Classification Process June 2021. Collection method: clinical testing. Allele origin: germline. Affected: yes.
Comment: Observed with a second ALG1 variant in a patient with microcephaly, seizures, psychomotor delay, and a CDG type 1 pattern on serum transferrin isoelectric focusing in published literature (PMID: 26453362); Published functional studies demonstrate a damaging effect of decreased protein activity and abnormal underglycosylation of ALG1 compared to wildtype (PMID: 26931382, 22966035); In silico analysis supports that this missense variant has a deleterious effect on protein structure/function; Not observed at significant frequency in large population cohorts (gnomAD); This variant is associated with the following publications: (PMID: 33960646, 37204045, 36213152, 17506657, 22966035, 35221878, 26453362, 26931382)

Labcorp Genetics (formerly Invitae), Labcorp
Classification: Pathogenic for ALG1-congenital disorder of glycosylation. Last evaluated: 2024-10-22. Review status: criteria provided, single submitter. Criteria: Invitae Variant Classification Sherloc (09022015). Collection method: clinical testing. Allele origin: germline.
Comment: This sequence change replaces serine, which is neutral and polar, with leucine, which is neutral and non-polar, at codon 359 of the ALG1 protein (p.Ser359Leu). This variant is not present in population databases (gnomAD no frequency). This missense change has been observed in individual(s) with ALG1-CDG and/or congenital disorder of glycosylation (PMID: 22966035, 26931382). It has also been observed to segregate with disease in related individuals. ClinVar contains an entry for this variant (Variation ID: 690322). Invitae Evidence Modeling of protein sequence and biophysical properties (such as structural, functional, and spatial information, amino acid conservation, physicochemical variation, residue mobility, and thermodynamic stability) indicates that this missense variant is not expected to disrupt ALG1 protein function with a negative predictive value of 80%. Experimental studies have shown that this missense change affects ALG1 function (PMID: 22966035). For these reasons, this variant has been classified as Pathogenic.

Fulgent Genetics
Classification: Pathogenic for ALG1-congenital disorder of glycosylation. Last evaluated: 2024-02-02. Review status: criteria provided, single submitter. Criteria: ACMG Guidelines, 2015. Collection method: clinical testing. Allele origin: germline.

University of Washington Center for Mendelian Genomics, University of Washington
Classification: Likely pathogenic for Congenital disorder of glycosylation. Last evaluated: 2017-05-25. Review status: no assertion criteria provided. Collection method: research. Allele origin: unknown. Affected: yes. Not counted in ClinVar's aggregate classification.

Literature cited by the submitters: PubMed 22966035 (cited by Labcorp Genetics (formerly Invitae), Labcorp); PubMed 26931382 (cited by Labcorp Genetics (formerly Invitae), Labcorp and University of Washington Center for Mendelian Genomics, University of Washington).